The following is an entry in ClinVar:

NM_000211.5(ITGB2):c.1382G>C (p.Gly461Ala)

Gene: ITGB2 (integrin subunit beta 2; minus strand). Cytogenetic location: 21q22.3.
Variant type: single nucleotide variant.
Coding change: c.1382G>C on transcript NM_000211.5 (MANE Select); coding-DNA position 1382, G replaced by C.
Protein change: p.Gly461Ala; replaces glycine 461 with alanine.
Molecular consequence: missense variant.
Genome position (GRCh38, 1-based): chr21:44,891,839, C>G on the plus strand (G>C on the coding strand, the complement: ITGB2 is on the minus strand). VCF-style: chr21-44891839-C-G. GRCh37 (hg19) VCF-style: chr21-46311754-C-G.
Other names: c.1382G>C, p.Gly461Ala (NM_001127491.3); c.1175G>C, p.Gly392Ala (NM_001303238.2); short protein forms G392A, G461A.
Identifiers: ClinVar variation 961685 (VCV000961685.10), dbSNP rs1451408184, ClinGen allele CA410485166.
Genomic context (GRCh38, chr21:44,891,839, plus strand): 5'-TGGTTCAACAGGGACCTGCGCCCGCCTCACCTGCAGATGCCGCACTCCAAGAAGCCCTTG[C>G]CATGGCAGAGGCTGCGGTCTCTGCTCTGGTCCCGGCACCGGCACTCACACTGGGGAAGAA-3'
Protein context (NP_000202.3, residues 451-471): DQSRDRSLCH[Gly461Ala]KGFLECGICR

ClinVar aggregate classification (germline): Uncertain significance (1 of 4 stars; one submission).

Conditions:
Leukocyte adhesion deficiency 1 (LAD1). Also called: LAD 1; Lymphocyte function-associated antigen 1 immunodeficiency; LFA 1 immunodeficiency; LEUKOCYTE ADHESION DEFICIENCY, TYPE I. Identifiers: Orphanet 2968, Orphanet 99842, MedGen C0398738, MONDO:0007293, OMIM 116920.

Submission:

Labcorp Genetics (formerly Invitae), Labcorp
Classification: Uncertain significance for Leukocyte adhesion deficiency 1. Last evaluated: 2019-10-29. Review status: criteria provided, single submitter. Criteria: Invitae Variant Classification Sherloc (09022015). Collection method: clinical testing. Allele origin: germline.
Comment: This sequence change replaces glycine with alanine at codon 461 of the ITGB2 protein (p.Gly461Ala). The glycine residue is highly conserved and there is a small physicochemical difference between glycine and alanine. This variant has not been reported in the literature in individuals with ITGB2-related conditions. Algorithms developed to predict the effect of missense changes on protein structure and function are either unavailable or do not agree on the potential impact of this missense change (SIFT: "Tolerated"; PolyPhen-2: "Possibly Damaging"; Align-GVGD: "Class C0"). In summary, the available evidence is currently insufficient to determine the role of this variant in disease. Therefore, it has been classified as a Variant of Uncertain Significance. This variant is not present in population databases (ExAC no frequency).